The following is an entry in ClinVar:

NM_001130987.2(DYSF):c.3762del (p.Asp1255fs)

Gene: DYSF (dysferlin; plus strand). Cytogenetic location: 2p13.2.
Variant type: Deletion.
Coding change: c.3762del on transcript NM_001130987.2 (MANE Select); coding-DNA position 3762, one base deleted (A; older notation c.3762delA).
Protein change: p.Asp1255fs; shifts the reading frame from aspartic acid 1255.
Molecular consequence: frameshift variant.
Genome position (GRCh38, 1-based): chr2:71,600,707, A deleted. VCF-style (leftmost placement, unchanged base first): chr2-71600706-CA-C. GRCh37 (hg19) VCF-style: chr2-71827836-CA-C.
Other names: NM_001130987.2(DYSF):c.3762del; p.Asp1255fs; c.3708delA (NM_003494.4); c.3711del, p.Asp1238fs (NM_001130455.2, NM_001130983.2); c.3666del, p.Asp1223fs (NM_001130976.2, NM_001130977.2); c.3708del, p.Asp1237fs (NM_001130978.2, NM_003494.4); c.3801del, p.Asp1268fs (NM_001130979.2); c.3759del, p.Asp1254fs (NM_001130980.2, NM_001130981.2); and 3 more; short protein forms D1224fs, D1237fs, D1255fs, D1268fs, D1223fs, D1254fs, D1269fs, D1238fs.
Identifiers: ClinVar variation 813985 (VCV000813985.69), dbSNP rs758107024, ClinGen allele CA1706701.

ClinVar aggregate classification (germline): Pathogenic. Review status: reviewed by expert panel (3 of 4 stars). 8 submissions from 8 submitters: Pathogenic (1). 7 of the submissions do not count toward it. Last evaluated 2025-01-08.

Conditions:
Autosomal recessive limb-girdle muscular dystrophy. Identifiers: Orphanet 102015, MedGen C2931907, MONDO:0015152.
Autosomal recessive limb-girdle muscular dystrophy type 2B (LGMDR2). Also called: MUSCULAR DYSTROPHY, LIMB-GIRDLE, TYPE 3; Limb-Girdle Muscular Dystrophy Type 2B (LGMD2B); MUSCULAR DYSTROPHY, LIMB-GIRDLE, AUTOSOMAL RECESSIVE 2; Limb-girdle muscular dystrophy, type 2B. Identifiers: Orphanet 268, MedGen C1850889, MONDO:0009676, OMIM 253601.
Neuromuscular disease caused by qualitative or quantitative defects of dysferlin. Also called: Dysferlinopathy; Qualitative or quantitative defects of dysferlin. Identifiers: Orphanet 207073, MedGen C2931687, MONDO:0016145.
Abnormality of the musculature. Identifiers: MedGen C4021745, HP:0003011.

Allele frequency attached by ClinVar (database versions not stated): ExAC 0.00001.

Submissions (8):

ClinGen Limb Girdle Muscular Dystrophy Variant Curation Expert Panel, ClinGen
Classification: Pathogenic for Autosomal recessive limb-girdle muscular dystrophy. Last evaluated: 2025-01-08. Review status: reviewed by expert panel. Criteria: ClinGen LGMD VCEP ACMG Specifications DYSF V1.0.0. Collection method: curation. Allele origin: germline. Inheritance: Autosomal recessive inheritance.
Comment: The NM_003494.4: c.3708delA p.(Asp1237ThrfsTer24) variant in DYSF, which is also known as NM_001130987.2: c.3762del p.(Asp1255ThrfsTer24), is a frameshift variant predicted to cause a premature stop codon in biologically relevant exon 34/55, leading to nonsense mediated decay in a gene in which loss of function is an established disease mechanism (PVS1). This variant has been detected in at least three unrelated individuals with limb girdle muscular dystrophy, including in a homozygous state in two patients (1.0 pts, PMID: 25046369, 30919934) and in trans with a pathogenic variant in at least one patient (c.1662C>T p.(Arg555Trp), 1.0 pt, PMID: 19015158) (PM3_Strong). At least one patient with this variant displayed progressive limb-girdle muscle weakness and absent dysferlin protein expression, which is highly specific for DYSF-associated LGMD (PP4_Strong, PMID: 19015158). This variant is absent from gnomAD v2.1.1 and v3.1.2 (PM2_Supporting). In summary, this variant meets the criteria to be classified as Pathogenic for autosomal recessive limb girdle muscular dystrophy based on the ACMG/AMP criteria applied, as specified by the ClinGen LGMD VCEP (LGMD VCEP specifications version 1.0.0; 01/08/2025): PVS1, PM3_Strong, PP4_Strong, PM2_Supporting.

Myriad Genetics, Inc.
Classification: Pathogenic for Autosomal recessive limb-girdle muscular dystrophy. Last evaluated: 2026-08-18. Review status: criteria provided, single submitter. Criteria: Myriad Autosomal Dominant, Autosomal Recessive and X-Linked Classification Criteria (2023). Collection method: clinical testing. Allele origin: unknown. Not counted in ClinVar's aggregate classification.
Comment: NM_003494.3(DYSF):c.3708delA(D1237Tfs*24) is a frameshift variant classified as pathogenic in the context of dysferlinopathy. D1237Tfs*24 has been observed in cases with relevant disease (PMID: 25046369, 30919934, 19015158). Relevant functional assessments of this variant are not available in the literature. D1237Tfs*24 has not been observed in referenced population frequency databases. In summary, NM_003494.3(DYSF):c.3708delA(D1237Tfs*24) is a frameshift variant in a gene where loss of function is a known mechanism of disease, is predicted to disrupt protein function, and has been observed more frequently in cases with the relevant disease than in healthy populations. Please note: this variant was assessed in the context of healthy population screening.

CeGaT Center for Human Genetics Tuebingen
Classification: Pathogenic. Last evaluated: 2024-01-01. Review status: criteria provided, single submitter. Criteria: CeGaT Center For Human Genetics Tuebingen Variant Classification Criteria Version 2. Collection method: clinical testing. Allele origin: germline. Affected: yes. Observed: 2 variant alleles. Not counted in ClinVar's aggregate classification.
Comment: DYSF: PVS1, PM2, PM3

Labcorp Genetics (formerly Invitae), Labcorp
Classification: Pathogenic for Neuromuscular disease caused by qualitative or quantitative defects of dysferlin. Last evaluated: 2022-01-13. Review status: criteria provided, single submitter. Criteria: Invitae Variant Classification Sherloc (09022015). Collection method: clinical testing. Allele origin: germline. Not counted in ClinVar's aggregate classification.
Comment: This sequence change creates a premature translational stop signal (p.Asp1237Thrfs*24) in the DYSF gene. It is expected to result in an absent or disrupted protein product. Loss-of-function variants in DYSF are known to be pathogenic (PMID: 17698709, 20301480). This variant is present in population databases (rs758107024, gnomAD no frequency). This premature translational stop signal has been observed in individual(s) with clinical features of dysferlinopathy (PMID: 25046369, 30919934, 32140910). ClinVar contains an entry for this variant (Variation ID: 813985). For these reasons, this variant has been classified as Pathogenic.

Kariminejad - Najmabadi Pathology & Genetics Center
Classification: Pathogenic for Abnormality of the musculature. Last evaluated: 2021-07-10. Review status: criteria provided, single submitter. Criteria: ACMG Guidelines, 2015. Collection method: clinical testing. Allele origin: germline. Affected: yes. Not counted in ClinVar's aggregate classification.

Broad Center for Mendelian Genomics, Broad Institute of MIT and Harvard
Classification: Likely pathogenic for Autosomal recessive limb-girdle muscular dystrophy type 2B. Last evaluated: 2018-12-03. Review status: criteria provided, single submitter. Criteria: ACMG Guidelines, 2015. Collection method: research. Allele origin: germline. Inheritance: Autosomal recessive inheritance. Affected: yes. Not counted in ClinVar's aggregate classification.
Comment: This variant was absent from large population studies. This variant is predicted to cause a frameshift, which alters the protein's amino acid sequence beginning at position 1564 and leads to a premature termination codon 17 amino acids downstream. This alteration is then predicted to lead to a truncated or absent protein. Loss of function of the DYSF gene is an established disease mechanism in autosomal recessive LGMD, and this is a loss of function variant. In summary, although additional studies are required to fully establish its clinical significance, the clinical significance of the p.Phe1564SerfsTer17 variant is likely pathogenic. ACMG/AMP Criteria applied: PM2, PVS1 (Richards 2015).

Joint Genome Diagnostic Labs from Nijmegen and Maastricht, Radboudumc and MUMC+
Classification: Pathogenic. Review status: no assertion criteria provided. Collection method: clinical testing. Allele origin: germline. Affected: yes. Study: VKGL Data-share Consensus. Not counted in ClinVar's aggregate classification.

Laboratory of Diagnostic Genome Analysis, Leiden University Medical Center (LUMC)
Classification: Likely pathogenic. Review status: no assertion criteria provided. Collection method: clinical testing. Allele origin: germline. Affected: yes. Study: VKGL Data-share Consensus. Not counted in ClinVar's aggregate classification.

Literature cited by the submitters: PubMed 19015158 (cited by Myriad Genetics, Inc.); PubMed 25046369 (cited by Myriad Genetics, Inc. and Labcorp Genetics (formerly Invitae), Labcorp); PubMed 30919934 (cited by Myriad Genetics, Inc. and Labcorp Genetics (formerly Invitae), Labcorp); PubMed 17698709 (cited by Labcorp Genetics (formerly Invitae), Labcorp); PubMed 20301480 (cited by Labcorp Genetics (formerly Invitae), Labcorp); PubMed 32140910 (cited by Labcorp Genetics (formerly Invitae), Labcorp).